The following is an entry in ClinVar:

ClinVar aggregate classification (germline): Uncertain significance (1 of 4 stars; one submission).

Conditions:
Hereditary cancer-predisposing syndrome. Also called: Neoplastic Syndromes, Hereditary; Hereditary Cancer Syndrome; Tumor predisposition; Hereditary neoplastic syndrome. Identifiers: Orphanet 140162, MedGen C0027672, MeSH D009386, MONDO:0015356.

Submission:

Ambry Genetics
Classification: Uncertain significance for Hereditary cancer-predisposing syndrome. Last evaluated: 2024-12-20. Review status: criteria provided, single submitter. Criteria: Ambry Variant Classification Scheme 2023. Collection method: clinical testing. Allele origin: germline.
Comment: The c.3285-1G>A intronic variant results from a G to A substitution one nucleotide upstream from coding exon 28 of the TSC2 gene. Alterations that disrupt the canonical splice site are expected to cause aberrant splicing. In silico splice site analysis predicts that this alteration will weaken the native splice acceptor site. RNA studies have demonstrated that this alteration results in a transcript predicted to lead to a protein with an in-frame deletion of two amino acids; however, the exact functional impact of the deleted amino acids is unknown at this time (Ambry internal data). This nucleotide position is highly conserved in available vertebrate species. Based on the available evidence, the clinical significance of this variant remains unclear.

NM_000548.5(TSC2):c.3285-1G>A

Gene: TSC2 (TSC complex subunit 2; plus strand). Cytogenetic location: 16p13.3.
Variant type: single nucleotide variant.
Coding change: c.3285-1G>A on transcript NM_000548.5 (MANE Select); the canonical splice acceptor site of the intron before coding-DNA position 3285, G replaced by A.
Molecular consequence: splice acceptor variant.
Genome position (GRCh38, 1-based): chr16:2,079,556, G>A. VCF-style: chr16-2079556-G-A. GRCh37 (hg19) VCF-style: chr16-2129557-G-A.
Other names: c.1812-1G>A (NM_001406693.1, NM_001406690.1, NM_001406692.1 and 1 more transcripts); c.3246-1G>A (NM_001406667.1); c.3243-1G>A (NM_001406668.1); c.2685-1G>A (NM_001406680.1, NM_001406683.1, NM_001406682.1); c.2553-1G>A (NM_001406687.1, NM_001318831.2, NM_001406688.1); c.1941-1G>A (NM_001406689.1); c.1809-1G>A (NM_001406691.1, NM_001406697.1, NM_001406695.1 and 1 more transcripts); c.1551-1G>A (NM_001406698.1); and 18 more.
Identifiers: ClinVar variation 3811302 (VCV003811302.1).
Genomic context (GRCh38, chr16:2,079,556, plus strand): 5'-GTGGCACCCTCGTACCAGCCTGGGGACTAAGTCCACCCTGTGCGTGGGATTCTCTTCTCA[G>A]CTCCAGCCCCGGGGTGCATGTGAGACAGACCAAGGAGGCGCCGGCCAAGCTGGAGTCCCA-3'